The following is an entry in ClinVar:

NM_030928.4(CDT1):c.1411C>G (p.Pro471Ala)

Gene: CDT1 (chromatin licensing and DNA replication factor 1; plus strand). Cytogenetic location: 16q24.3.
Variant type: single nucleotide variant.
Coding change: c.1411C>G on transcript NM_030928.4 (MANE Select); coding-DNA position 1411, C replaced by G.
Protein change: p.Pro471Ala; replaces proline 471 with alanine.
Molecular consequence: missense variant.
Genome position (GRCh38, 1-based): chr16:88,807,416, C>G. VCF-style: chr16-88807416-C-G. GRCh37 (hg19) VCF-style: chr16-88873824-C-G.
Other names: short protein forms P471A.
Identifiers: ClinVar variation 210649 (VCV000210649.56), dbSNP rs141663679, ClinGen allele CA209528.

ClinVar aggregate classification (germline): Conflicting classifications of pathogenicity. Review status: criteria provided, conflicting classifications (1 of 4 stars). 9 submissions from 9 submitters: Uncertain significance (2); Benign (1); Likely benign (3). 3 of the submissions do not count toward it. Last evaluated 2026-09-01.

Conditions:
CDT1-related disorder. Also called: CDT1-related condition.
Inborn genetic diseases. Identifiers: MedGen C0950123, MeSH D030342.
Meier-Gorlin syndrome 4 (MGORS4). Identifiers: Orphanet 2554, MedGen C3151120, MONDO:0013431, OMIM 613804.

Allele frequency attached by ClinVar (database versions not stated): gnomAD 0.00207; TOPMed 0.00280; ESP Exome Variant Server 0.00362; 1000 Genomes Project 30x 0.00094; 1000 Genomes Project 0.00100.

Submissions (9):

CeGaT Center for Human Genetics Tuebingen
Classification: Likely benign. Last evaluated: 2026-09-01. Review status: criteria provided, single submitter. Criteria: CeGaT Center For Human Genetics Tuebingen Variant Classification Criteria Version 2. Collection method: clinical testing. Allele origin: germline. Affected: yes. Observed: 2 variant alleles.
Comment: CDT1: BP4, BS2

Labcorp Genetics (formerly Invitae), Labcorp
Classification: Benign. Last evaluated: 2026-01-27. Review status: criteria provided, single submitter. Criteria: Invitae Variant Classification Sherloc (09022015). Collection method: clinical testing. Allele origin: germline.

Blueprint Genetics
Classification: Likely benign. Last evaluated: 2024-11-27. Review status: criteria provided, single submitter. Criteria: ACMG Guidelines, 2015. Collection method: clinical testing. Allele origin: germline.

Ambry Genetics
Classification: Uncertain significance for Inborn genetic diseases. Last evaluated: 2024-07-14. Review status: criteria provided, single submitter. Criteria: Ambry Variant Classification Scheme 2023. Collection method: clinical testing. Allele origin: germline.

Institute of Human Genetics, University of Leipzig Medical Center
Classification: Likely benign for Meier-Gorlin syndrome 4. Last evaluated: 2019-01-01. Review status: criteria provided, single submitter. Criteria: ACMG Guidelines, 2015. Collection method: clinical testing. Allele origin: unknown. Affected: yes.

Genetic Services Laboratory, University of Chicago
Classification: Uncertain significance. Last evaluated: 2015-06-02. Review status: criteria provided, single submitter. Criteria: ACMG Guidelines, 2015. Collection method: clinical testing. Allele origin: germline.

PreventionGenetics, part of Exact Sciences
Classification: Likely benign for CDT1-related condition. Last evaluated: 2022-02-23. Review status: no assertion criteria provided. Collection method: clinical testing. Allele origin: germline. Not counted in ClinVar's aggregate classification.
Comment: This variant is classified as likely benign based on ACMG/AMP sequence variant interpretation guidelines (Richards et al. 2015 PMID: 25741868, with internal and published modifications).

Joint Genome Diagnostic Labs from Nijmegen and Maastricht, Radboudumc and MUMC+
Classification: Likely benign. Review status: no assertion criteria provided. Collection method: clinical testing. Allele origin: germline. Affected: yes. Study: VKGL Data-share Consensus. Not counted in ClinVar's aggregate classification.

Laboratory of Diagnostic Genome Analysis, Leiden University Medical Center (LUMC)
Classification: Likely benign. Review status: no assertion criteria provided. Collection method: clinical testing. Allele origin: germline. Affected: yes. Study: VKGL Data-share Consensus. Not counted in ClinVar's aggregate classification.